The following is an entry in ClinVar:

NM_000163.5(GHR):c.170G>A (p.Arg57His)

Gene: GHR (growth hormone receptor; plus strand). Cytogenetic location: 5p12.
Variant type: single nucleotide variant.
Coding change: c.170G>A on transcript NM_000163.5 (MANE Select); coding-DNA position 170, G replaced by A.
Protein change: p.Arg57His; replaces arginine 57 with histidine.
Molecular consequence: missense variant.
Genome position (GRCh38, 1-based): chr5:42,688,923, G>A. VCF-style: chr5-42688923-G-A. GRCh37 (hg19) VCF-style: chr5-42689025-G-A.
Other names: c.191G>A, p.Arg64His (NM_001242399.2); c.170G>A, p.Arg57His (NM_001242400.2, NM_001242401.4, NM_001242402.2 and 5 more transcripts); c.104G>A, p.Arg35His (NM_001242460.2); short protein forms R35H, R57H, R64H.
Identifiers: ClinVar variation 2597460 (VCV002597460.5), dbSNP rs373412197, ClinGen allele CA3254344.

ClinVar aggregate classification (germline): Uncertain significance. Review status: criteria provided, multiple submitters, no conflicts (2 of 4 stars). 2 submissions from 2 submitters: Uncertain significance (2). Last evaluated 2025-08-22.

Conditions:
Inborn genetic diseases. Identifiers: MedGen C0950123, MeSH D030342.

Allele frequency attached by ClinVar (database versions not stated): gnomAD exomes 0.00006; gnomAD 0.00005; ExAC 0.00006; ESP Exome Variant Server 0.00015; TOPMed 0.00006.

Submissions (2):

Ambry Genetics
Classification: Uncertain significance for Inborn genetic diseases. Last evaluated: 2025-08-22. Review status: criteria provided, single submitter. Criteria: Ambry Variant Classification Scheme 2023. Collection method: clinical testing. Allele origin: germline.

Labcorp Genetics (formerly Invitae), Labcorp
Classification: Uncertain significance. Last evaluated: 2025-05-15. Review status: criteria provided, single submitter. Criteria: Invitae Variant Classification Sherloc (09022015). Collection method: clinical testing. Allele origin: germline.
Comment: This sequence change replaces arginine, which is basic and polar, with histidine, which is basic and polar, at codon 57 of the GHR protein (p.Arg57His). This variant is present in population databases (rs373412197, gnomAD 0.03%). This variant has not been reported in the literature in individuals affected with GHR-related conditions. ClinVar contains an entry for this variant (Variation ID: 2597460). Invitae Evidence Modeling of protein sequence and biophysical properties (such as structural, functional, and spatial information, amino acid conservation, physicochemical variation, residue mobility, and thermodynamic stability) has been performed for this missense variant. However, the output from this modeling did not meet the statistical confidence thresholds required to predict the impact of this variant on GHR protein function. In summary, the available evidence is currently insufficient to determine the role of this variant in disease. Therefore, it has been classified as a Variant of Uncertain Significance.